The following is an entry in ClinVar:

NM_000334.4(SCN4A):c.787G>A (p.Val263Ile)

Gene: SCN4A (sodium voltage-gated channel alpha subunit 4; minus strand). Cytogenetic location: 17q23.3.
Variant type: single nucleotide variant.
Coding change: c.787G>A on transcript NM_000334.4 (MANE Select); coding-DNA position 787, G replaced by A.
Protein change: p.Val263Ile; replaces valine 263 with isoleucine.
Molecular consequence: missense variant.
Genome position (GRCh38, 1-based): chr17:63,968,272, C>T on the plus strand (G>A on the coding strand, the complement: SCN4A is on the minus strand). VCF-style: chr17-63968272-C-T. GRCh37 (hg19) VCF-style: chr17-62045632-C-T.
Other names: short protein forms V263I.
Identifiers: ClinVar variation 646253 (VCV000646253.8), dbSNP rs775418104, ClinGen allele CA8710038.
Genomic context (GRCh38, chr17:63,968,272, plus strand): 5'-AGCGCACACACTTCTGCCTCAGGTTTCCCATGAAGAGCTGCAGTCCTACCAGCGCAAAGA[C>T]GCTCAGGCAGAAGACAGTGAGGATCATCACATCCGACAGCTTTTTCACCGACTGGATCAG-3'
Protein context (NP_000325.4, residues 253-273): VMILTVFCLS[Val263Ile]FALVGLQLFM

ClinVar aggregate classification (germline): Uncertain significance. Review status: criteria provided, multiple submitters, no conflicts (2 of 4 stars). 2 submissions from 2 submitters: Uncertain significance (2). Last evaluated 2025-10-02.

Conditions:
Hyperkalemic periodic paralysis. Also called: Familial hyperkalemic periodic paralysis; Gamstorp disease. Identifiers: Orphanet 682, MedGen C0238357, MONDO:0008224, OMIM 170500, HP:0007215.

Allele frequency attached by ClinVar (database versions not stated): gnomAD exomes 0.00001 and 0.00002; ExAC 0.00002; gnomAD 0.00005 and 0.00006; TOPMed 0.00008.

Submissions (2):

Labcorp Genetics (formerly Invitae), Labcorp
Classification: Uncertain significance for Hyperkalemic periodic paralysis. Last evaluated: 2025-10-02. Review status: criteria provided, single submitter. Criteria: Invitae Variant Classification Sherloc (09022015). Collection method: clinical testing. Allele origin: germline.
Comment: This sequence change replaces valine, which is neutral and non-polar, with isoleucine, which is neutral and non-polar, at codon 263 of the SCN4A protein (p.Val263Ile). This variant is present in population databases (rs775418104, gnomAD 0.003%). This variant has not been reported in the literature in individuals affected with SCN4A-related conditions. ClinVar contains an entry for this variant (Variation ID: 646253). Invitae Evidence Modeling of protein sequence and biophysical properties (such as structural, functional, and spatial information, amino acid conservation, physicochemical variation, residue mobility, and thermodynamic stability) has been performed for this missense variant. However, the output from this modeling did not meet the statistical confidence thresholds required to predict the impact of this variant on SCN4A protein function. In summary, the available evidence is currently insufficient to determine the role of this variant in disease. Therefore, it has been classified as a Variant of Uncertain Significance.

GeneDx
Classification: Uncertain significance. Last evaluated: 2024-03-28. Review status: criteria provided, single submitter. Criteria: GeneDx Variant Classification Process June 2021. Collection method: clinical testing. Allele origin: germline. Affected: yes.
Comment: Reported in an infant with sudden unexplained death; however, no further clinical information was provided (PMID: 33789662); Not observed at significant frequency in large population cohorts (gnomAD); In silico analysis supports that this missense variant does not alter protein structure/function; This variant is associated with the following publications: (PMID: 33789662)